The following is an entry in ClinVar:

NM_182972.3(IRF2BP2):c.1601C>G (p.Ser534Cys)

Gene: IRF2BP2 (interferon regulatory factor 2 binding protein 2; minus strand). Cytogenetic location: 1q42.3.
Variant type: single nucleotide variant.
Coding change: c.1601C>G on transcript NM_182972.3 (MANE Select); coding-DNA position 1601, C replaced by G.
Protein change: p.Ser534Cys; replaces serine 534 with cysteine.
Molecular consequence: missense variant.
Genome position (GRCh38, 1-based): chr1:234,607,300, G>C on the plus strand (C>G on the coding strand, the complement: IRF2BP2 is on the minus strand). VCF-style: chr1-234607300-G-C. GRCh37 (hg19) VCF-style: chr1-234743046-G-C.
Other names: c.1553C>G, p.Ser518Cys (NM_001077397.1); short protein forms S534C, S518C.
Identifiers: ClinVar variation 1508493 (VCV001508493.6), dbSNP rs2102768186, ClinGen allele CA345305142.

ClinVar aggregate classification (germline): Uncertain significance (1 of 4 stars; one submission).

Allele frequency attached by ClinVar (database versions not stated): gnomAD exomes below 0.00001.

Submission:

Labcorp Genetics (formerly Invitae), Labcorp
Classification: Uncertain significance. Last evaluated: 2022-02-10. Review status: criteria provided, single submitter. Criteria: Invitae Variant Classification Sherloc (09022015). Collection method: clinical testing. Allele origin: germline.
Comment: In summary, the available evidence is currently insufficient to determine the role of this variant in disease. Therefore, it has been classified as a Variant of Uncertain Significance. Algorithms developed to predict the effect of missense changes on protein structure and function are either unavailable or do not agree on the potential impact of this missense change (SIFT: "Deleterious"; PolyPhen-2: "Probably Damaging"; Align-GVGD: "Class C15"). This variant has not been reported in the literature in individuals affected with IRF2BP2-related conditions. This variant is not present in population databases (gnomAD no frequency). This sequence change replaces serine, which is neutral and polar, with cysteine, which is neutral and slightly polar, at codon 534 of the IRF2BP2 protein (p.Ser534Cys).